The following is an entry in ClinVar:

ClinVar aggregate classification (germline): Conflicting classifications of pathogenicity. Review status: criteria provided, conflicting classifications (1 of 4 stars). 11 submissions from 11 submitters: Uncertain significance (3); Benign (3); Likely benign (4). 1 of the submissions does not count toward it. Last evaluated 2026-08-01.

Conditions:
AFG3L2-related disorder. Also called: AFG3L2-related condition.
Spastic ataxia 5. Also called: Spastic Ataxia Type 5 (SPAX5). Identifiers: Orphanet 313772, MedGen C3280977, MONDO:0013776, OMIM 614487.
Spinocerebellar ataxia type 28 (SCA28). Also called: Spinocerebellar Ataxia Type 28 (SCA28). Identifiers: Orphanet 101109, MedGen C1853249, MONDO:0012450, OMIM 610246.

Allele frequency attached by ClinVar (database versions not stated): TOPMed 0.00150; 1000 Genomes Project 0.00080; ESP Exome Variant Server 0.00146; 1000 Genomes Project 30x 0.00094.
gnomAD v4.1: 4,209 of 1,614,152 alleles (0.26%); highest among the groups gnomAD compares: Non-Finnish European, 0.33%; 6 homozygotes.

Submissions (11):

CeGaT Center for Human Genetics Tuebingen
Classification: Likely benign. Last evaluated: 2026-08-01. Review status: criteria provided, single submitter. Criteria: CeGaT Center For Human Genetics Tuebingen Variant Classification Criteria Version 2. Collection method: clinical testing. Allele origin: germline. Affected: yes. Observed: 18 variant alleles.
Comment: AFG3L2: BS2

Labcorp Genetics (formerly Invitae), Labcorp
Classification: Likely benign. Last evaluated: 2026-01-07. Review status: criteria provided, single submitter. Criteria: Invitae Variant Classification Sherloc (09022015). Collection method: clinical testing. Allele origin: germline.

Athena Diagnostics
Classification: Benign. Last evaluated: 2025-01-21. Review status: criteria provided, single submitter. Criteria: Athena Diagnostics Criteria. Collection method: clinical testing. Allele origin: unknown.
Comment: The frequency of this variant in the general population is higher than would generally be expected for pathogenic variants in this gene.

Blueprint Genetics
Classification: Uncertain significance. Last evaluated: 2024-11-25. Review status: criteria provided, single submitter. Criteria: ACMG Guidelines, 2015. Collection method: clinical testing. Allele origin: germline.

Mayo Clinic Laboratories, Mayo Clinic
Classification: Benign. Last evaluated: 2024-09-13. Review status: criteria provided, single submitter. Criteria: ACMG Guidelines, 2015. Collection method: clinical testing. Allele origin: germline. Observed: 7 variant alleles.
Comment: BS1, BS2

Molecular Genetics, Royal Melbourne Hospital
Classification: Likely benign for Spinocerebellar ataxia type 28. Last evaluated: 2024-06-13. Review status: criteria provided, single submitter. Criteria: ACMG Guidelines, 2015. Collection method: clinical testing. Allele origin: germline. Inheritance: Autosomal dominant inheritance. Affected: yes.

ARUP Laboratories, Molecular Genetics and Genomics, ARUP Laboratories
Classification: Uncertain significance. Last evaluated: 2023-10-02. Review status: criteria provided, single submitter. Criteria: ARUP Molecular Germline Variant Investigation Process 2024. Collection method: clinical testing. Allele origin: germline.

GeneDx
Classification: Likely benign. Last evaluated: 2021-09-20. Review status: criteria provided, single submitter. Criteria: GeneDx Variant Classification Process June 2021. Collection method: clinical testing. Allele origin: germline. Affected: yes.
Comment: Reported in heterozygous state in the published literature in an individual with infantile onset lactic acidosis and hypertrophic cardiomyopathy, however this individual's unaffected mother was also heterozygous for this variant (Vasta et al., 2012) In silico analysis, which includes protein predictors and evolutionary conservation, supports a deleterious effect This variant is associated with the following publications: (PMID: 22494076, 27165006)

Institute of Human Genetics, University of Leipzig Medical Center
Classification: Uncertain significance for Spastic ataxia 5. Last evaluated: 2019-01-01. Review status: criteria provided, single submitter. Criteria: ACMG Guidelines, 2015. Collection method: clinical testing. Allele origin: unknown. Affected: yes.

Illumina Laboratory Services, Illumina
Classification: Benign for Spinocerebellar ataxia type 28. Last evaluated: 2018-01-12. Review status: criteria provided, single submitter. Criteria: ICSL Variant Classification Criteria 13 December 2019. Collection method: clinical testing. Allele origin: germline.
Comment: This variant was observed in the ICSL laboratory as part of a predisposition screen in an ostensibly healthy population. It had not been previously curated by ICSL or reported in the Human Gene Mutation Database (HGMD: prior to June 1st, 2018), and was therefore a candidate for classification through an automated scoring system. Utilizing variant allele frequency, disease prevalence and penetrance estimates, and inheritance mode, an automated score was calculated to assess if this variant is too frequent to cause the disease. Based on the score and internal cut-off values, a variant classified as benign is not then subjected to further curation. The score for this variant resulted in a classification of benign for this disease.

PreventionGenetics, part of Exact Sciences
Classification: Likely benign for AFG3L2-related condition. Last evaluated: 2024-06-27. Review status: no assertion criteria provided. Collection method: clinical testing. Allele origin: germline. Not counted in ClinVar's aggregate classification.
Comment: This variant is classified as likely benign based on ACMG/AMP sequence variant interpretation guidelines (Richards et al. 2015 PMID: 25741868, with internal and published modifications).

Literature cited by the submitters: PubMed 27165006 (cited by Athena Diagnostics and Mayo Clinic Laboratories, Mayo Clinic).

NM_006796.3(AFG3L2):c.2314C>T (p.Leu772Phe)

Genes: AFG3L2 (AFG3 like matrix AAA peptidase subunit 2; minus strand), TUBB6 (tubulin beta 6 class V; plus strand). Cytogenetic location: 18p11.21.
Variant type: single nucleotide variant.
Coding change: c.2314C>T on transcript NM_006796.3 (MANE Select); coding-DNA position 2314, C replaced by T.
Protein change: p.Leu772Phe; replaces leucine 772 with phenylalanine.
Molecular consequence: missense variant. On other transcripts: 3 prime UTR variant (1).
Genome position (GRCh38, 1-based): chr18:12,329,645, G>A on the plus strand (C>T on the coding strand, the complement: AFG3L2 is on the minus strand). VCF-style: chr18-12329645-G-A. GRCh37 (hg19) VCF-style: chr18-12329644-G-A.
Other names: p.L772F:CTT>TTT; p.Leu772Phe; c.*462G>A (NM_001303525.2); c.2314C>T (NM_006796.1); short protein forms L772F.
Identifiers: ClinVar variation 214057 (VCV000214057.69), dbSNP rs117182113, ClinGen allele CA321640.
Genomic context (GRCh38, chr18:12,329,645, plus strand): 5'-CCGGGGGCTCCTCTTTCTCCTTTTCCCGCTCCTTGTTCCAGTCCTTAAGGCCTTCTGGAA[G>A]TGAGGTGTCCTCATCCAAGCTGCCAGTGCCTTCCACAAATTCTTCATAGGTAGATTTTTC-3'
Protein context (NP_006787.2, residues 762-782): GTGSLDEDTS[Leu772Phe]PEGLKDWNKE